The following is an entry in ClinVar:

NM_001267550.2(TTN):c.105925A>C (p.Ser35309Arg)

Genes: TTN-AS1 (TTN antisense RNA 1; plus strand), TTN (titin; minus strand), LOC129935183 (ATAC-STARR-seq lymphoblastoid active region 16808; plus strand). Cytogenetic location: 2q31.2.
Variant type: single nucleotide variant.
Coding change: c.105925A>C on transcript NM_001267550.2 (MANE Select); coding-DNA position 105925, A replaced by C.
Protein change: p.Ser35309Arg; replaces serine 35309 with arginine.
Molecular consequence: missense variant.
Genome position (GRCh38, 1-based): chr2:178,530,690, T>G on the plus strand (A>C on the coding strand, the complement: TTN is on the minus strand). VCF-style: chr2-178530690-T-G. GRCh37 (hg19) VCF-style: chr2-179395417-T-G.
Other names: c.101002A>C, p.Ser33668Arg (NM_001256850.1); c.78730A>C, p.Ser26244Arg (NM_003319.4); c.98221A>C, p.Ser32741Arg (NM_133378.4); c.79105A>C, p.Ser26369Arg (NM_133432.3); c.79306A>C, p.Ser26436Arg (NM_133437.4); short protein forms S26244R, S26369R, S26436R, S32741R, S33668R, S35309R.
Identifiers: ClinVar variation 3895854 (VCV003895854.2).

ClinVar aggregate classification (germline): Uncertain significance. Review status: criteria provided, multiple submitters, no conflicts (2 of 4 stars). 2 submissions from 2 submitters: Uncertain significance (2). Last evaluated 2026-01-24.

Conditions:
Dilated cardiomyopathy 1G (CMD1G). Identifiers: Orphanet 154, MedGen C1858763, MONDO:0011400, OMIM 604145.
Autosomal recessive limb-girdle muscular dystrophy type 2J (LGMDR10). Also called: MUSCULAR DYSTROPHY, LIMB-GIRDLE, AUTOSOMAL RECESSIVE 10; Limb-girdle muscular dystrophy, type 2J. Identifiers: Orphanet 140922, MedGen C1837342, MONDO:0012127, OMIM 608807.

Submissions (2):

Labcorp Genetics (formerly Invitae), Labcorp
Classification: Uncertain significance for Dilated cardiomyopathy 1G; Autosomal recessive limb-girdle muscular dystrophy type 2J. Last evaluated: 2026-01-24. Review status: criteria provided, single submitter. Criteria: Invitae Variant Classification Sherloc (09022015). Collection method: clinical testing. Allele origin: germline.
Comment: This sequence change replaces serine, which is neutral and polar, with arginine, which is basic and polar, at codon 35309 of the TTN protein (p.Ser35309Arg). This variant is present in population databases (rs558833547, gnomAD 0.006%). This variant has not been reported in the literature in individuals affected with TTN-related conditions. ClinVar contains an entry for this variant (Variation ID: 3895854). Experimental studies and prediction algorithms are not available or were not evaluated, and the functional significance of this variant is currently unknown. This variant is located in the M band of TTN (PMID: 25589632). Non-truncating variants in this region may be relevant for neuromuscular disorders, but have not been definitively shown to cause cardiomyopathy (PMID: 23975875). In summary, the available evidence is currently insufficient to determine the role of this variant in disease. Therefore, it has been classified as a Variant of Uncertain Significance.

Women's Health and Genetics/Laboratory Corporation of America, LabCorp
Classification: Uncertain significance. Last evaluated: 2025-03-03. Review status: criteria provided, single submitter. Criteria: LabCorp Variant Classification Summary - May 2015. Collection method: clinical testing. Allele origin: germline.
Comment: Variant summary: TTN c.98221A>C (p.Ser32741Arg) results in a non-conservative amino acid change in the encoded protein sequence. Three of four in-silico tools predict a damaging effect of the variant on protein function. The variant allele was found at a frequency of 8e-06 in 249042 control chromosomes. The available data on variant occurrences in the general population are insufficient to allow any conclusion about variant significance. To our knowledge, no occurrence of c.98221A>C in individuals affected with Autosomal Recessive Titinopathy and no experimental evidence demonstrating its impact on protein function have been reported. No submitters have cited clinical-significance assessments for this variant to ClinVar. Based on the evidence outlined above, the variant was classified as uncertain significance.

Literature cited by the submitters: PubMed 25589632 (cited by Labcorp Genetics (formerly Invitae), Labcorp); PubMed 23975875 (cited by Labcorp Genetics (formerly Invitae), Labcorp).